The following is an entry in ClinVar:

ClinVar aggregate classification (germline): Uncertain significance (1 of 4 stars; one submission).

Allele frequency attached by ClinVar (database versions not stated): gnomAD exomes below 0.00001 and 0.00002; gnomAD 0.00001; TOPMed 0.00001.
gnomAD v4.1: 24 of 1,613,568 alleles (0.0015%); highest among the groups gnomAD compares: Non-Finnish European, 0.002%; no homozygotes.

Submission:

Labcorp Genetics (formerly Invitae), Labcorp
Classification: Uncertain significance. Last evaluated: 2021-09-15. Review status: criteria provided, single submitter. Criteria: Invitae Variant Classification Sherloc (09022015). Collection method: clinical testing. Allele origin: germline.
Comment: In summary, the available evidence is currently insufficient to determine the role of this variant in disease. Therefore, it has been classified as a Variant of Uncertain Significance. Algorithms developed to predict the effect of missense changes on protein structure and function are either unavailable or do not agree on the potential impact of this missense change (SIFT: "Deleterious"; PolyPhen-2: "Benign"; Align-GVGD: "Class C0"). This variant has not been reported in the literature in individuals affected with KIAA1549-related conditions. This variant is not present in population databases (ExAC no frequency). This sequence change replaces methionine with valine at codon 708 of the KIAA1549 protein (p.Met708Val). The methionine residue is weakly conserved and there is a small physicochemical difference between methionine and valine.

NM_001164665.2(KIAA1549):c.2122A>G (p.Met708Val)

Gene: KIAA1549 (KIAA1549; minus strand). Cytogenetic location: 7q34.
Variant type: single nucleotide variant.
Coding change: c.2122A>G on transcript NM_001164665.2 (MANE Select); coding-DNA position 2122, A replaced by G.
Protein change: p.Met708Val; replaces methionine 708 with valine.
Molecular consequence: missense variant.
Genome position (GRCh38, 1-based): chr7:138,917,504, T>C on the plus strand (A>G on the coding strand, the complement: KIAA1549 is on the minus strand). VCF-style: chr7-138917504-T-C. GRCh37 (hg19) VCF-style: chr7-138602250-T-C.
Other names: c.2122A>G, p.Met708Val (NM_020910.3); short protein forms M708V.
Identifiers: ClinVar variation 1464707 (VCV001464707.6), dbSNP rs1308287799, ClinGen allele CA369394240.
Genomic context (GRCh38, chr7:138,917,504, plus strand): 5'-CGAGAGAATCAGAAGGGAAGCTTGACCATGGTGACACCTCAGAACGGCTAGGTAGCAACA[T>C]GATGGTGTTTAAAGGCAGCTCGGAACTTGGCTGGAGCTGCGAAAACTCAAGATTTGTGGA-3'
Protein context (NP_001158137.1, residues 698-718): PSSELPLNTI[Met708Val]LLPSRSEVSP